The following is an entry in ClinVar:

NM_173660.5(DOK7):c.161G>T (p.Arg54Leu)

Gene: DOK7 (docking protein 7; plus strand). Cytogenetic location: 4p16.3.
Variant type: single nucleotide variant.
Coding change: c.161G>T on transcript NM_173660.5 (MANE Select); coding-DNA position 161, G replaced by T.
Protein change: p.Arg54Leu; replaces arginine 54 with leucine.
Molecular consequence: missense variant. On other transcripts: intron variant (1).
Genome position (GRCh38, 1-based): chr4:3,473,466, G>T. VCF-style: chr4-3473466-G-T. GRCh37 (hg19) VCF-style: chr4-3475193-G-T.
Other names: c.161G>T, p.Arg54Leu (NM_001164673.2, NM_001301071.2); c.100+9915G>T (NM_001363811.2); c.161G>T (NM_173660.4); short protein forms R54L.
Identifiers: ClinVar variation 1367530 (VCV001367530.7), dbSNP rs201818140, ClinGen allele CA2828895.

ClinVar aggregate classification (germline): Uncertain significance. Review status: criteria provided, multiple submitters, no conflicts (2 of 4 stars). 2 submissions from 2 submitters: Uncertain significance (2). Last evaluated 2025-12-03.

Conditions:
Congenital myasthenic syndrome 10. Also called: Myasthenia, limb-girdle, familial. Identifiers: Orphanet 590, MedGen C1850792, MONDO:0009690, OMIM 254300.
Fetal akinesia deformation sequence 1 (FADS1). Also called: Pena-Shokeir syndrome type I; Fetal akinesia sequence. Identifiers: Orphanet 994, MedGen C1276035, MONDO:0100101, OMIM 208150, HP:0001989.
Inborn genetic diseases. Identifiers: MedGen C0950123, MeSH D030342.

gnomAD v4.1: 18 of 1,610,962 alleles (0.0011%); highest among the groups gnomAD compares: East Asian, 0.016%; no homozygotes.

Submissions (2):

Ambry Genetics
Classification: Uncertain significance for Inborn genetic diseases. Last evaluated: 2025-12-03. Review status: criteria provided, single submitter. Criteria: Ambry Variant Classification Scheme 2023. Collection method: clinical testing. Allele origin: germline.

Labcorp Genetics (formerly Invitae), Labcorp
Classification: Uncertain significance for Congenital myasthenic syndrome 10; Fetal akinesia deformation sequence 1. Last evaluated: 2021-09-24. Review status: criteria provided, single submitter. Criteria: Invitae Variant Classification Sherloc (09022015). Collection method: clinical testing. Allele origin: germline.
Comment: This sequence change replaces arginine with leucine at codon 54 of the DOK7 protein (p.Arg54Leu). The arginine residue is highly conserved and there is a moderate physicochemical difference between arginine and leucine. This variant is present in population databases (rs201818140, ExAC 0.04%). This variant has not been reported in the literature in individuals with DOK7-related disease. Algorithms developed to predict the effect of missense changes on protein structure and function do not agree on the potential impact of this missense change (SIFT: "Deleterious"; PolyPhen-2: "Probably Damaging"; Align-GVGD: "Class C0"). In summary, the available evidence is currently insufficient to determine the role of this variant in disease. Therefore, it has been classified as a Variant of Uncertain Significance.